The following is an entry in ClinVar:

ClinVar aggregate classification (germline): Uncertain significance (1 of 4 stars; one submission).

gnomAD v4.1: 1 of 1,611,410 alleles (0.000062%); highest among the groups gnomAD compares: Non-Finnish European, 0.000085%; no homozygotes.

Submission:

Labcorp Genetics (formerly Invitae), Labcorp
Classification: Uncertain significance. Last evaluated: 2024-10-24. Review status: criteria provided, single submitter. Criteria: Invitae Variant Classification Sherloc (09022015). Collection method: clinical testing. Allele origin: germline.
Comment: This sequence change replaces cysteine, which is neutral and slightly polar, with phenylalanine, which is neutral and non-polar, at codon 792 of the TNK2 protein (p.Cys792Phe). This variant is not present in population databases (gnomAD no frequency). This variant has not been reported in the literature in individuals affected with TNK2-related conditions. An algorithm developed to predict the effect of missense changes on protein structure and function (PolyPhen-2) suggests that this variant is likely to be disruptive. In summary, the available evidence is currently insufficient to determine the role of this variant in disease. Therefore, it has been classified as a Variant of Uncertain Significance.

NM_001382273.1(TNK2):c.2186G>T (p.Cys729Phe)

Gene: TNK2 (tyrosine kinase non receptor 2; minus strand). Cytogenetic location: 3q29.
Variant type: single nucleotide variant.
Coding change: c.2186G>T on transcript NM_001382273.1 (MANE Select); coding-DNA position 2186, G replaced by T.
Protein change: p.Cys729Phe; replaces cysteine 729 with phenylalanine.
Molecular consequence: missense variant. On other transcripts: non-coding transcript variant (15).
Genome position (GRCh38, 1-based): chr3:195,868,112, C>A on the plus strand (G>T on the coding strand, the complement: TNK2 is on the minus strand). VCF-style: chr3-195868112-C-A. GRCh37 (hg19) VCF-style: chr3-195594983-C-A.
Other names: c.2258G>T, p.Cys753Phe (NM_001010938.2, NM_001382272.1); c.2237G>T, p.Cys746Phe (NM_001308046.2, NM_001382271.1); c.2186G>T, p.Cys729Phe (NM_001382274.1, NM_001387716.1, NM_001387717.1 and 1 more transcripts); c.2282G>T, p.Cys761Phe (NM_001382275.1, NM_001387707.1); c.2141G>T, p.Cys714Phe (NM_001386164.1, NM_001387709.1, NM_001387710.1 and 8 more transcripts); c.2213G>T, p.Cys738Phe (NM_001387708.1, NM_001387715.1); short protein forms C729F, C746F, C738F, C753F, C761F, C714F.
Identifiers: ClinVar variation 2882038 (VCV002882038.3), dbSNP rs778321376, ClinGen allele CA90750075.